The following is an entry in ClinVar:

ClinVar aggregate classification (germline): Likely benign (1 of 4 stars; one submission).

gnomAD v4.1: 37 of 1,614,180 alleles (0.0023%); highest among the groups gnomAD compares: Admixed American, 0.018%; no homozygotes.

Submission:

CeGaT Center for Human Genetics Tuebingen
Classification: Likely benign. Last evaluated: 2025-05-01. Review status: criteria provided, single submitter. Criteria: CeGaT Center For Human Genetics Tuebingen Variant Classification Criteria Version 2. Collection method: clinical testing. Allele origin: germline. Affected: yes. Observed: 1 variant allele.
Comment: NINL: BP4, BP7

NM_025176.6(NINL):c.357C>T (p.Asp119=)

Gene: NINL (ninein like; minus strand). Cytogenetic location: 20p11.21.
Variant type: single nucleotide variant.
Coding change: c.357C>T on transcript NM_025176.6 (MANE Select); coding-DNA position 357, C replaced by T.
Protein change: p.Asp119=; no amino-acid change (aspartic acid 119 retained).
Molecular consequence: synonymous variant.
Genome position (GRCh38, 1-based): chr20:25,512,927, G>A on the plus strand (C>T on the coding strand, the complement: NINL is on the minus strand). VCF-style: chr20-25512927-G-A. GRCh37 (hg19) VCF-style: chr20-25493563-G-A.
Other names: c.357C>T, p.Asp119= (NM_001318226.2).
Identifiers: ClinVar variation 3905341 (VCV003905341.10).